The following is an entry in ClinVar:

NM_002519.3(NPAT):c.4142A>G (p.Asn1381Ser)

Gene: NPAT (nuclear protein, coactivator of histone transcription; minus strand). Cytogenetic location: 11q22.3.
Variant type: single nucleotide variant.
Coding change: c.4142A>G on transcript NM_002519.3 (MANE Select); coding-DNA position 4142, A replaced by G.
Protein change: p.Asn1381Ser; replaces asparagine 1381 with serine.
Molecular consequence: missense variant.
Genome position (GRCh38, 1-based): chr11:108,160,944, T>C on the plus strand (A>G on the coding strand, the complement: NPAT is on the minus strand). VCF-style: chr11-108160944-T-C. GRCh37 (hg19) VCF-style: chr11-108031671-T-C.
Other names: c.4163A>G, p.Asn1388Ser (NM_001321307.1); short protein forms N1381S, N1388S.
Identifiers: ClinVar variation 2447453 (VCV002447453.2), dbSNP rs1354464688, ClinGen allele CA382509277.

ClinVar aggregate classification (germline): Uncertain significance (1 of 4 stars; one submission).

Allele frequency attached by ClinVar (database versions not stated): gnomAD exomes 0.00001; TOPMed 0.00001.
gnomAD v4.1: 8 of 1,614,088 alleles (0.0005%); highest among the groups gnomAD compares: Non-Finnish European, 0.00068%; no homozygotes.

Submission:

Ambry Genetics
Classification: Uncertain significance. Last evaluated: 2023-01-29. Review status: criteria provided, single submitter. Criteria: Ambry Variant Classification Scheme 2023. Collection method: clinical testing. Allele origin: germline.
Comment: The p.N1381S variant (also known as c.4142A>G), located in coding exon 17 of the NPAT gene, results from an A to G substitution at nucleotide position 4142. The asparagine at codon 1381 is replaced by serine, an amino acid with highly similar properties. This amino acid position is conserved. In addition, this alteration is predicted to be tolerated by in silico analysis. Since supporting evidence is limited at this time, the clinical significance of this alteration remains unclear.